The following is an entry in ClinVar:

NM_000751.3(CHRND):c.52+1G>A

Gene: CHRND (cholinergic receptor nicotinic delta subunit; plus strand). Cytogenetic location: 2q37.1.
Variant type: single nucleotide variant.
Coding change: c.52+1G>A on transcript NM_000751.3 (MANE Select); the canonical splice donor site of the intron after coding-DNA position 52, G replaced by A.
Molecular consequence: splice donor variant.
Genome position (GRCh38, 1-based): chr2:232,526,268, G>A. VCF-style: chr2-232526268-G-A. GRCh37 (hg19) VCF-style: chr2-233390978-G-A.
Other names: c.-220+1G>A (NM_001311195.2, NM_001311196.2); c.52+1G>A (NM_001256657.2).
Identifiers: ClinVar variation 1687227 (VCV001687227.1), dbSNP rs2106205676, ClinGen allele CA350995754.

ClinVar aggregate classification (germline): Likely pathogenic (1 of 4 stars; one submission).

Conditions:
Congenital myasthenic syndrome 3B (CMS3B). Also called: Myasthenic syndrome, congenital, 3B, fast-channel. Identifiers: Orphanet 590, MedGen C4225371, MONDO:0014584, OMIM 616322.

Submission:

3billion
Classification: Likely pathogenic for Congenital myasthenic syndrome 3B. Last evaluated: 2022-05-22. Review status: criteria provided, single submitter. Criteria: ACMG Guidelines, 2015. Collection method: clinical testing. Allele origin: germline. Affected: yes. Observed: 1 heterozygote.
Comment: The variant is not observed in the gnomAD v2.1.1 dataset. Canonical splice site: predicted to alter splicing and result in a loss or disruption of normal protein function. Multiple pathogenic loss-of-function variants are reported downstream of the variant. Therefore, this variant is classified as likely pathogenic according to the recommendation of ACMG/AMP guideline.